The following is an entry in ClinVar:

NM_022765.4(MICAL1):c.971A>G (p.Asn324Ser)

Gene: MICAL1 (microtubule associated monooxygenase, calponin and LIM domain containing 1; minus strand). Cytogenetic location: 6q21.
Variant type: single nucleotide variant.
Coding change: c.971A>G on transcript NM_022765.4 (MANE Select); coding-DNA position 971, A replaced by G.
Protein change: p.Asn324Ser; replaces asparagine 324 with serine.
Molecular consequence: missense variant. On other transcripts: intron variant (1).
Genome position (GRCh38, 1-based): chr6:109,450,520, T>C on the plus strand (A>G on the coding strand, the complement: MICAL1 is on the minus strand). VCF-style: chr6-109450520-T-C. GRCh37 (hg19) VCF-style: chr6-109771723-T-C.
Other names: c.1028A>G, p.Asn343Ser (NM_001286613.2); c.934-435A>G (NM_001159291.2); short protein forms N343S, N324S.
Identifiers: ClinVar variation 1954777 (VCV001954777.5), dbSNP rs769937369, ClinGen allele CA3953536.

ClinVar aggregate classification (germline): Uncertain significance (1 of 4 stars; one submission).

Allele frequency attached by ClinVar (database versions not stated): ExAC 0.00001; TOPMed 0.00001.
gnomAD v4.1: 5 of 1,612,098 alleles (0.00031%); highest among the groups gnomAD compares: Admixed American, 0.0017%; no homozygotes.

Submission:

Labcorp Genetics (formerly Invitae), Labcorp
Classification: Uncertain significance. Last evaluated: 2024-10-06. Review status: criteria provided, single submitter. Criteria: Invitae Variant Classification Sherloc (09022015). Collection method: clinical testing. Allele origin: germline.
Comment: This sequence change replaces asparagine, which is neutral and polar, with serine, which is neutral and polar, at codon 343 of the MICAL1 protein (p.Asn343Ser). This variant is present in population databases (rs769937369, gnomAD 0.0009%). This variant has not been reported in the literature in individuals affected with MICAL1-related conditions. ClinVar contains an entry for this variant (Variation ID: 1954777). An algorithm developed to predict the effect of missense changes on protein structure and function (PolyPhen-2) suggests that this variant is likely to be disruptive. In summary, the available evidence is currently insufficient to determine the role of this variant in disease. Therefore, it has been classified as a Variant of Uncertain Significance.